The following is an entry in ClinVar:

NM_001267550.2(TTN):c.62353G>T (p.Asp20785Tyr)

Genes: TTN (titin; minus strand), TTN-AS1 (TTN antisense RNA 1; plus strand). Cytogenetic location: 2q31.2.
Variant type: single nucleotide variant.
Coding change: c.62353G>T on transcript NM_001267550.2 (MANE Select); coding-DNA position 62353, G replaced by T.
Protein change: p.Asp20785Tyr; replaces aspartic acid 20785 with tyrosine.
Molecular consequence: missense variant.
Genome position (GRCh38, 1-based): chr2:178,589,372, C>A on the plus strand (G>T on the coding strand, the complement: TTN is on the minus strand). VCF-style: chr2-178589372-C-A. GRCh37 (hg19) VCF-style: chr2-179454099-C-A.
Other names: c.57430G>T, p.Asp19144Tyr (NM_001256850.1); c.35158G>T, p.Asp11720Tyr (NM_003319.4); c.54649G>T, p.Asp18217Tyr (NM_133378.4); c.35533G>T, p.Asp11845Tyr (NM_133432.3); c.35734G>T, p.Asp11912Tyr (NM_133437.4); short protein forms D11720Y, D11845Y, D11912Y, D18217Y, D19144Y, D20785Y.
Identifiers: ClinVar variation 5036960 (VCV005036960.1).

ClinVar aggregate classification (germline): Uncertain significance (1 of 4 stars; one submission).

gnomAD v4.1: 1 of 1,613,416 alleles (0.000062%); highest among the groups gnomAD compares: Non-Finnish European, 0.000085%; no homozygotes.

Submission:

GeneDx
Classification: Uncertain significance. Last evaluated: 2026-04-14. Review status: criteria provided, single submitter. Criteria: GeneDx Variant Classification Process June 2021. Collection method: clinical testing. Allele origin: germline.
Comment: Not observed at significant frequency in large population cohorts (gnomAD); Missense variant in a gene in which most reported pathogenic variants are truncating/loss of function; Has not been previously published as pathogenic or benign to our knowledge